The following is an entry in ClinVar:

ClinVar aggregate classification (germline): Pathogenic/Likely pathogenic. Review status: criteria provided, multiple submitters, no conflicts (2 of 4 stars). 2 submissions from 2 submitters: Pathogenic (1); Likely pathogenic (1). Last evaluated 2023-03-04.

Conditions:
ALPK3-related disorder. Also called: ALPK3-related condition.

Allele frequency attached by ClinVar (database versions not stated): gnomAD 0.00001; gnomAD exomes 0.00001; ExAC 0.00002; 1000 Genomes Project 30x 0.00016; 1000 Genomes Project 0.00020.
gnomAD v4.1: 4 of 1,600,102 alleles (0.00025%); highest among the groups gnomAD compares: Admixed American, 0.0034%; no homozygotes.

Submissions (2):

Labcorp Genetics (formerly Invitae), Labcorp
Classification: Pathogenic. Last evaluated: 2023-03-04. Review status: criteria provided, single submitter. Criteria: Invitae Variant Classification Sherloc (09022015). Collection method: clinical testing. Allele origin: germline.
Comment: This sequence change creates a premature translational stop signal (p.Arg345*) in the ALPK3 gene. It is expected to result in an absent or disrupted protein product. Loss-of-function variants in ALPK3 are known to be pathogenic (PMID: 21441111, 26846950, 27106955, 34263907). For these reasons, this variant has been classified as Pathogenic. ClinVar contains an entry for this variant (Variation ID: 1452833). This variant has not been reported in the literature in individuals affected with ALPK3-related conditions. This variant is present in population databases (rs199599837, gnomAD 0.007%).

Blueprint Genetics
Classification: Likely pathogenic for ALPK3-related disorders. Last evaluated: 2022-05-12. Review status: criteria provided, single submitter. Criteria: ACMG Guidelines, 2015. Collection method: clinical testing. Allele origin: germline. Affected: yes. Observed: 1 variant allele.

Literature cited by the submitters: PubMed 21441111 (cited by Labcorp Genetics (formerly Invitae), Labcorp); PubMed 26846950 (cited by Labcorp Genetics (formerly Invitae), Labcorp); PubMed 27106955 (cited by Labcorp Genetics (formerly Invitae), Labcorp); PubMed 34263907 (cited by Labcorp Genetics (formerly Invitae), Labcorp).

NM_020778.5(ALPK3):c.427C>T (p.Arg143Ter)

Gene: ALPK3 (alpha kinase 3; plus strand). Cytogenetic location: 15q25.3.
Variant type: single nucleotide variant.
Coding change: c.427C>T on transcript NM_020778.5 (MANE Select); coding-DNA position 427, C replaced by T.
Protein change: p.Arg143Ter; replaces arginine 143 with a stop codon.
Molecular consequence: nonsense.
Genome position (GRCh38, 1-based): chr15:84,839,706, C>T. VCF-style: chr15-84839706-C-T. GRCh37 (hg19) VCF-style: chr15-85382937-C-T.
Other names: short protein forms R143*.
Identifiers: ClinVar variation 1452833 (VCV001452833.7), dbSNP rs199599837, ClinGen allele CA7708980.